The following is an entry in ClinVar:

ClinVar aggregate classification (germline): Uncertain significance (1 of 4 stars; one submission).

Allele frequency attached by ClinVar (database versions not stated): TOPMed 0.00005; gnomAD exomes 0.00006 and 0.00009; gnomAD 0.00007 and 0.00008; ESP Exome Variant Server 0.00008; ExAC 0.00010.
gnomAD v4.1: 102 of 1,612,306 alleles (0.0063%); highest among the groups gnomAD compares: South Asian, 0.015%; 1 homozygote.

Submission:

GeneDx
Classification: Uncertain significance. Last evaluated: 2019-09-05. Review status: criteria provided, single submitter. Criteria: GeneDx Variant Classification Process June 2021. Collection method: clinical testing. Allele origin: germline. Affected: yes.
Comment: In silico analysis, which includes protein predictors and evolutionary conservation, supports a deleterious effect; Has not been previously published as pathogenic or benign to our knowledge; Variants in candidate genes are classified as variants of uncertain significance in accordance with ACMG guidelines (Richards et al., 2015)

NM_001042603.3(KDM5A):c.953A>G (p.Tyr318Cys)

Gene: KDM5A (lysine demethylase 5A; minus strand). Cytogenetic location: 12p13.33.
Variant type: single nucleotide variant.
Coding change: c.953A>G on transcript NM_001042603.3 (MANE Select); coding-DNA position 953, A replaced by G.
Protein change: p.Tyr318Cys; replaces tyrosine 318 with cysteine.
Molecular consequence: missense variant.
Genome position (GRCh38, 1-based): chr12:354,152, T>C on the plus strand (A>G on the coding strand, the complement: KDM5A is on the minus strand). VCF-style: chr12-354152-T-C. GRCh37 (hg19) VCF-style: chr12-463318-T-C.
Other names: short protein forms Y318C.
Identifiers: ClinVar variation 1310597 (VCV001310597.2), dbSNP rs368962603, ClinGen allele CA6379473.